The following is an entry in ClinVar:

NM_003019.5(SFTPD):c.367C>G (p.Leu123Val)

Gene: SFTPD (surfactant protein D; minus strand). Cytogenetic location: 10q22.3.
Variant type: single nucleotide variant.
Coding change: c.367C>G on transcript NM_003019.5 (MANE Select); coding-DNA position 367, C replaced by G.
Protein change: p.Leu123Val; replaces leucine 123 with valine.
Molecular consequence: missense variant.
Genome position (GRCh38, 1-based): chr10:79,942,454, G>C on the plus strand (C>G on the coding strand, the complement: SFTPD is on the minus strand). VCF-style: chr10-79942454-G-C. GRCh37 (hg19) VCF-style: chr10-81702210-G-C.
Other names: short protein forms L123V.
Identifiers: ClinVar variation 165216 (VCV000165216.6), dbSNP rs17878336, ClinGen allele CA177966.

ClinVar aggregate classification (germline): Benign. Review status: criteria provided, multiple submitters, no conflicts (2 of 4 stars). 2 submissions from 2 submitters: Benign (2). Last evaluated 2013-02-21.

Allele frequency attached by ClinVar (database versions not stated): gnomAD 0.02701 and 0.02630; ESP Exome Variant Server 0.03076; ExAC 0.02561; TOPMed 0.02707; gnomAD exomes 0.02574; 1000 Genomes Project 30x 0.01686; 1000 Genomes Project 0.01757.
gnomAD v4.1: 54,526 of 1,613,350 alleles (3.4%); highest among the groups gnomAD compares: Non-Finnish European, 4%; 1,112 homozygotes.

Submissions (2):

Laboratory for Molecular Medicine, Mass General Brigham Personalized Medicine
Classification: Benign. Last evaluated: 2013-02-21. Review status: criteria provided, single submitter. Criteria: LMM Criteria. Collection method: clinical testing. Allele origin: germline. Observed: 9 variant alleles.
Comment: Leu123Val in exon 4 of SFTPD: This variant is not expected to have clinical sign ificance because it has been identified in 4.1% (352/8600) of European American chromosomes from a broad population by the NHLBI Exome Sequencing Project (dbSNP rs17878336).

Breakthrough Genomics
Classification: Benign. Review status: criteria provided, single submitter. Criteria: ACMG Guidelines, 2015. Collection method: not provided. Allele origin: germline. Inheritance: Unknown mechanism. Affected: yes.